The following is an entry in ClinVar:

NM_004082.5(DCTN1):c.3046A>G (p.Met1016Val)

Gene: DCTN1 (dynactin subunit 1; minus strand). Cytogenetic location: 2p13.1.
Variant type: single nucleotide variant.
Coding change: c.3046A>G on transcript NM_004082.5 (MANE Select); coding-DNA position 3046, A replaced by G.
Protein change: p.Met1016Val; replaces methionine 1016 with valine.
Molecular consequence: missense variant. On other transcripts: non-coding transcript variant (1).
Genome position (GRCh38, 1-based): chr2:74,365,225, T>C on the plus strand (A>G on the coding strand, the complement: DCTN1 is on the minus strand). VCF-style: chr2-74365225-T-C. GRCh37 (hg19) VCF-style: chr2-74592352-T-C.
Other names: c.2986A>G, p.Met996Val (NM_001135040.3); c.2644A>G, p.Met882Val (NM_001135041.3, NM_023019.4); c.2935A>G, p.Met979Val (NM_001190836.2); c.3025A>G, p.Met1009Val (NM_001190837.2); c.2995A>G, p.Met999Val (NM_001378991.1); c.2977A>G, p.Met993Val (NM_001378992.1); short protein forms M1016V, M979V, M999V, M1009V, M882V, M996V, M993V.
Identifiers: ClinVar variation 2948711 (VCV002948711.3), dbSNP rs1553463901, ClinGen allele CA347340808.

ClinVar aggregate classification (germline): Uncertain significance (1 of 4 stars; one submission).

Conditions:
Amyotrophic lateral sclerosis type 1 (ALS1). Also called: AMYOTROPHIC LATERAL SCLEROSIS 1, FAMILIAL. Identifiers: Orphanet 803, MedGen C1862939, MONDO:0007103, OMIM 105400.
Neuronopathy, distal hereditary motor, type 7B. Also called: HMN VIIB; LOWER MOTOR NEURON DISEASE, DYNACTIN TYPE; NEURONOPATHY, DISTAL HEREDITARY MOTOR, AUTOSOMAL DOMINANT 14; NEURONOPATHY, DISTAL HEREDITARY MOTOR, HARDING TYPE VIIB; NEUROPATHY, DISTAL HEREDITARY MOTOR, HARDING TYPE VIIB; NEUROPATHY, DISTAL HEREDITARY MOTOR, WITH VOCAL CORD PARALYSIS, HARDING TYPE VIIB. Identifiers: Orphanet 139589, MedGen C1843315, MONDO:0011879, OMIM 607641.
Perry syndrome. Also called: PARKINSONISM WITH ALVEOLAR HYPOVENTILATION AND MENTAL DEPRESSION. Identifiers: Orphanet 178509, MedGen C1868594, MONDO:0008201, OMIM 168605.

Allele frequency attached by ClinVar (database versions not stated): gnomAD exomes below 0.00001.

Submission:

Labcorp Genetics (formerly Invitae), Labcorp
Classification: Uncertain significance for Amyotrophic lateral sclerosis type 1; Neuronopathy, distal hereditary motor, type 7B; Perry syndrome. Last evaluated: 2023-12-22. Review status: criteria provided, single submitter. Criteria: Invitae Variant Classification Sherloc (09022015). Collection method: clinical testing. Allele origin: germline.
Comment: This sequence change replaces methionine, which is neutral and non-polar, with valine, which is neutral and non-polar, at codon 1016 of the DCTN1 protein (p.Met1016Val). This variant is not present in population databases (gnomAD no frequency). This missense change has been observed in individual(s) with clinical features of DCTN1 related conditions (PMID: 35586532). Advanced modeling of protein sequence and biophysical properties (such as structural, functional, and spatial information, amino acid conservation, physicochemical variation, residue mobility, and thermodynamic stability) performed at Invitae indicates that this missense variant is not expected to disrupt DCTN1 protein function with a negative predictive value of 80%. In summary, the available evidence is currently insufficient to determine the role of this variant in disease. Therefore, it has been classified as a Variant of Uncertain Significance.

Literature cited by the submitters: PubMed 35586532.